The following is an entry in ClinVar:

NM_001244008.2(KIF1A):c.-14C>T

Gene: KIF1A (kinesin family member 1A; minus strand). Cytogenetic location: 2q37.3.
Variant type: single nucleotide variant.
Coding change: c.-14C>T on transcript NM_001244008.2 (MANE Select); 14 bases upstream of the start codon, C replaced by T.
Molecular consequence: 5 prime UTR variant.
Genome position (GRCh38, 1-based): chr2:240,797,766, G>A on the plus strand (C>T on the coding strand, the complement: KIF1A is on the minus strand). VCF-style: chr2-240797766-G-A. GRCh37 (hg19) VCF-style: chr2-241737183-G-A.
Other names: c.-14C>T (NM_001379648.1, NM_001379649.1, NM_001379650.1 and 20 more transcripts).
Identifiers: ClinVar variation 4887322 (VCV004887322.1).

ClinVar aggregate classification (germline): Uncertain significance (1 of 4 stars; one submission).

Submission:

Women's Health and Genetics/Laboratory Corporation of America, LabCorp
Classification: Uncertain significance. Last evaluated: 2026-06-11. Review status: criteria provided, single submitter. Criteria: LabCorp Variant Classification Summary - May 2015. Collection method: clinical testing. Allele origin: germline.
Comment: Variant summary: KIF1A c.-14C>T is located in the untranslated mRNA region upstream of the initiation codon. The variant allele was found at a frequency of 1.7e-05 in 230176 control chromosomes. The available data on variant occurrences in the general population are insufficient to allow any conclusion about variant significance. To our knowledge, no occurrence of c.-14C>T in individuals affected with KIF1A-related conditions and no experimental evidence demonstrating its impact on protein function have been reported. No submitters have cited clinical-significance assessments for this variant to ClinVar. Based on the evidence outlined above, the variant was classified as uncertain significance.